The following is an entry in ClinVar:

ClinVar aggregate classification (germline): Uncertain significance (1 of 4 stars; one submission).

gnomAD v4.1: 10 of 1,604,502 alleles (0.00062%); highest among the groups gnomAD compares: Middle Eastern, 0.017%; 1 homozygote.

Submission:

Labcorp Genetics (formerly Invitae), Labcorp
Classification: Uncertain significance. Last evaluated: 2025-01-29. Review status: criteria provided, single submitter. Criteria: Invitae Variant Classification Sherloc (09022015). Collection method: clinical testing. Allele origin: germline.
Comment: This sequence change replaces asparagine, which is neutral and polar, with serine, which is neutral and polar, at codon 1271 of the RERE protein (p.Asn1271Ser). This variant is present in population databases (rs762897016, gnomAD 0.01%). This variant has not been reported in the literature in individuals affected with RERE-related conditions. Invitae Evidence Modeling of protein sequence and biophysical properties (such as structural, functional, and spatial information, amino acid conservation, physicochemical variation, residue mobility, and thermodynamic stability) has been performed for this missense variant. However, the output from this modeling did not meet the statistical confidence thresholds required to predict the impact of this variant on RERE protein function. In summary, the available evidence is currently insufficient to determine the role of this variant in disease. Therefore, it has been classified as a Variant of Uncertain Significance.

NM_001042681.2(RERE):c.3812A>G (p.Asn1271Ser)

Gene: RERE (arginine-glutamic acid dipeptide repeats; minus strand). Cytogenetic location: 1p36.23.
Variant type: single nucleotide variant.
Coding change: c.3812A>G on transcript NM_001042681.2 (MANE Select); coding-DNA position 3812, A replaced by G.
Protein change: p.Asn1271Ser; replaces asparagine 1271 with serine.
Molecular consequence: missense variant.
Genome position (GRCh38, 1-based): chr1:8,358,723, T>C on the plus strand (A>G on the coding strand, the complement: RERE is on the minus strand). VCF-style: chr1-8358723-T-C. GRCh37 (hg19) VCF-style: chr1-8418783-T-C.
Other names: c.2150A>G, p.Asn717Ser (NM_001042682.2); c.3812A>G, p.Asn1271Ser (NM_012102.4); short protein forms N1271S, N717S.
Identifiers: ClinVar variation 3618288 (VCV003618288.2).